The following is an entry in ClinVar:

ClinVar aggregate classification (germline): Pathogenic. Review status: criteria provided, multiple submitters, no conflicts (2 of 4 stars). 2 submissions from 2 submitters: Pathogenic (2). Last evaluated 2023-05-01.

Submissions (2):

CeGaT Center for Human Genetics Tuebingen
Classification: Pathogenic. Last evaluated: 2023-05-01. Review status: criteria provided, single submitter. Criteria: CeGaT Center For Human Genetics Tuebingen Variant Classification Criteria Version 2. Collection method: clinical testing. Allele origin: germline. Affected: yes. Observed: 3 variant alleles.
Comment: CNGA3: PM3:Strong, PVS1:Strong, PM2

Labcorp Genetics (formerly Invitae), Labcorp
Classification: Pathogenic. Last evaluated: 2022-10-28. Review status: criteria provided, single submitter. Criteria: Invitae Variant Classification Sherloc (09022015). Collection method: clinical testing. Allele origin: germline.
Comment: ClinVar contains an entry for this variant (Variation ID: 962218). For these reasons, this variant has been classified as Pathogenic. This variant disrupts a region of the CNGA3 protein in which other variant(s) (p.Arg661His) have been determined to be pathogenic (PMID: 32913385; Invitae). This suggests that this is a clinically significant region of the protein, and that variants that disrupt it are likely to be disease-causing. This variant has not been reported in the literature in individuals affected with CNGA3-related conditions. This variant is not present in population databases (gnomAD no frequency). This sequence change creates a premature translational stop signal (p.Ile605Thrfs*3) in the CNGA3 gene. While this is not anticipated to result in nonsense mediated decay, it is expected to disrupt the last 90 amino acid(s) of the CNGA3 protein.

Literature cited by the submitters: PubMed 32913385 (cited by Labcorp Genetics (formerly Invitae), Labcorp).

NM_001298.3(CNGA3):c.1814_1826del (p.Ile605fs)

Gene: CNGA3 (cyclic nucleotide gated channel subunit alpha 3; plus strand). Cytogenetic location: 2q11.2.
Variant type: Deletion.
Coding change: c.1814_1826del on transcript NM_001298.3 (MANE Select); coding-DNA positions 1814 to 1826, 13 bases deleted (TCCTGATGAAAGA).
Protein change: p.Ile605fs; shifts the reading frame from isoleucine 605.
Molecular consequence: frameshift variant.
Genome position (GRCh38, 1-based): chr2:98,396,984-98,396,996, TCCTGATGAAAGA deleted; deleting any 13 consecutive bases within chr2:98,396,981-98,396,996 gives the same sequence; the c. name uses the placement nearest the transcript's 3' end. VCF-style (leftmost placement, unchanged base first): chr2-98396980-CAGATCCTGATGAA-C. GRCh37 (hg19) VCF-style: chr2-99013443-CAGATCCTGATGAA-C.
Other names: c.1760_1772del, p.Ile587fs (NM_001079878.2); short protein forms I587fs, I605fs.
Identifiers: ClinVar variation 962218 (VCV000962218.45), dbSNP rs1692935801, ClinGen allele CA1139657169.